The following is an entry in ClinVar:

ClinVar aggregate classification (germline): Uncertain significance (1 of 4 stars; one submission).

Conditions:
Familial pulmonary capillary hemangiomatosis (PVOD2). Also called: Pulmonary venoocclusive disease 2; Pulmonary venoocclusive disease 2, autosomal recessive. Identifiers: Orphanet 199241, MedGen C0340848, MONDO:0009329, OMIM 234810.

gnomAD v4.1: 67 of 1,611,934 alleles (0.0042%); highest among the groups gnomAD compares: Non-Finnish European, 0.0057%; no homozygotes.

Submission:

ARUP Laboratories, Molecular Genetics and Genomics, ARUP Laboratories
Classification: Uncertain significance for Familial pulmonary capillary hemangiomatosis. Last evaluated: 2025-05-19. Review status: criteria provided, single submitter. Criteria: ARUP Molecular Germline Variant Investigation Process 2024. Collection method: clinical testing. Allele origin: germline.
Comment: The EIF2AK4 c.4562-14T>A variant (rs537171279), to our knowledge, is not reported in the medical literature or gene specific databases. This variant is found in the general population with an overall allele frequency of 0.0021% (6/279576 alleles) in the Genome Aggregation Database (v2.1.1). This is an intronic variant and computational analyses (Alamut Visual Plus v.1.12) predict that this variant may impact splicing by weakening the nearby canonical acceptor splice site. Due to limited information, the clinical significance of this variant is uncertain at this time.

NM_001013703.4(EIF2AK4):c.4562-14T>A

Gene: EIF2AK4 (eukaryotic translation initiation factor 2 alpha kinase 4; plus strand). Cytogenetic location: 15q15.1.
Variant type: single nucleotide variant.
Coding change: c.4562-14T>A on transcript NM_001013703.4 (MANE Select); 14 bases into the intron before coding-DNA position 4562, T replaced by A.
Molecular consequence: intron variant.
Genome position (GRCh38, 1-based): chr15:40,030,345, T>A. VCF-style: chr15-40030345-T-A. GRCh37 (hg19) VCF-style: chr15-40322546-T-A.
Identifiers: ClinVar variation 4685823 (VCV004685823.1).